The following is an entry in ClinVar:

NM_001844.5(COL2A1):c.135T>A (p.Asp45Glu)

Gene: COL2A1 (collagen type II alpha 1 chain; minus strand). Cytogenetic location: 12q13.11.
Variant type: single nucleotide variant.
Coding change: c.135T>A on transcript NM_001844.5 (MANE Select); coding-DNA position 135, T replaced by A.
Protein change: p.Asp45Glu; replaces aspartic acid 45 with glutamic acid.
Molecular consequence: missense variant. On other transcripts: intron variant (1).
Genome position (GRCh38, 1-based): chr12:48,000,076, A>T on the plus strand (T>A on the coding strand, the complement: COL2A1 is on the minus strand). VCF-style: chr12-48000076-A-T. GRCh37 (hg19) VCF-style: chr12-48393859-A-T.
Other names: c.135T>A (NM_001844.4); c.86-1645T>A (NM_033150.3); short protein forms D45E.
Identifiers: ClinVar variation 1355187 (VCV001355187.9), dbSNP rs375778172, ClinGen allele CA6536089.

ClinVar aggregate classification (germline): Conflicting classifications of pathogenicity. Review status: criteria provided, conflicting classifications (1 of 4 stars). 3 submissions from 3 submitters: Uncertain significance (2); Likely benign (1). Last evaluated 2025-08-22.

Conditions:
Inborn genetic diseases. Identifiers: MedGen C0950123, MeSH D030342.

gnomAD v4.1: 10 of 1,613,468 alleles (0.00062%); highest among the groups gnomAD compares: Admixed American, 0.0083%; no homozygotes.

Submissions (3):

Ambry Genetics
Classification: Uncertain significance for Inborn genetic diseases. Last evaluated: 2025-08-22. Review status: criteria provided, single submitter. Criteria: Ambry Variant Classification Scheme 2023. Collection method: clinical testing. Allele origin: germline.

Labcorp Genetics (formerly Invitae), Labcorp
Classification: Likely benign. Last evaluated: 2024-10-15. Review status: criteria provided, single submitter. Criteria: Invitae Variant Classification Sherloc (09022015). Collection method: clinical testing. Allele origin: germline.

Women's Health and Genetics/Laboratory Corporation of America, LabCorp
Classification: Uncertain significance. Last evaluated: 2024-03-07. Review status: criteria provided, single submitter. Criteria: LabCorp Variant Classification Summary - May 2015. Collection method: clinical testing. Allele origin: germline.
Comment: Variant summary: COL2A1 c.135T>A (p.Asp45Glu) results in a conservative amino acid change located in the VWFC domain (IPR001007) of the encoded protein sequence. Four of five in-silico tools predict a benign effect of the variant on protein function. The variant allele was found at a frequency of 8e-06 in 249098 control chromosomes. The available data on variant occurrences in the general population are insufficient to allow any conclusion about variant significance. To our knowledge, no occurrence of c.135T>A in individuals affected with Achondrogenesis, Type II and no experimental evidence demonstrating its impact on protein function have been reported. ClinVar contains an entry for this variant (Variation ID: 1355187). Based on the evidence outlined above, the variant was classified as uncertain significance.